The following is an entry in ClinVar:

NM_182961.4(SYNE1):c.15882G>T (p.Met5294Ile)

Gene: SYNE1 (spectrin repeat containing nuclear envelope protein 1; minus strand). Cytogenetic location: 6q25.2.
Variant type: single nucleotide variant.
Coding change: c.15882G>T on transcript NM_182961.4 (MANE Select); coding-DNA position 15882, G replaced by T.
Protein change: p.Met5294Ile; replaces methionine 5294 with isoleucine.
Molecular consequence: missense variant.
Genome position (GRCh38, 1-based): chr6:152,323,513, C>A on the plus strand (G>T on the coding strand, the complement: SYNE1 is on the minus strand). VCF-style: chr6-152323513-C-A. GRCh37 (hg19) VCF-style: chr6-152644648-C-A.
Other names: c.15669G>T, p.Met5223Ile (NM_033071.5); short protein forms M5294I, M5223I.
Identifiers: ClinVar variation 905301 (VCV000905301.10), dbSNP rs770022371, ClinGen allele CA150216169.

ClinVar aggregate classification (germline): Uncertain significance. Review status: criteria provided, multiple submitters, no conflicts (2 of 4 stars). 4 submissions from 3 submitters: Uncertain significance (4). Last evaluated 2025-10-01.

Conditions:
Emery-Dreifuss muscular dystrophy 4, autosomal dominant (EDMD4). Also called: EMERY-DREIFUSS MUSCULAR DYSTROPHY 4 WITH VARIABLE FEATURES. Identifiers: Orphanet 261, MedGen C2751807, MONDO:0013071, OMIM 612998.
Autosomal recessive ataxia, Beauce type. Also called: ATAXIA, RECESSIVE, OF BEAUCE; SYNE1 Deficiency; SYNE1-Related Autosomal Recessive Cerebellar Ataxia; Spinocerebellar ataxia, autosomal recessive 8. Identifiers: Orphanet 88644, MedGen C1853116, MONDO:0012549, OMIM 610743.

Allele frequency attached by ClinVar (database versions not stated): gnomAD exomes below 0.00001 and 0.00001; TOPMed below 0.00001; gnomAD 0.00002.
gnomAD v4.1: 9 of 1,613,956 alleles (0.00056%); highest among the groups gnomAD compares: Middle Eastern, 0.033%; no homozygotes.

Submissions (4):

Labcorp Genetics (formerly Invitae), Labcorp
Classification: Uncertain significance for Emery-Dreifuss muscular dystrophy 4, autosomal dominant; Autosomal recessive ataxia, Beauce type. Last evaluated: 2025-10-01. Review status: criteria provided, single submitter. Criteria: Invitae Variant Classification Sherloc (09022015). Collection method: clinical testing. Allele origin: germline.
Comment: This sequence change replaces methionine, which is neutral and non-polar, with isoleucine, which is neutral and non-polar, at codon 5223 of the SYNE1 protein (p.Met5223Ile). This variant is present in population databases (rs770022371, gnomAD 0.003%). This variant has not been reported in the literature in individuals affected with SYNE1-related conditions. ClinVar contains an entry for this variant (Variation ID: 905301). An algorithm developed to predict the effect of missense changes on protein structure and function outputs the following: PolyPhen-2: "Benign". The isoleucine amino acid residue is found in multiple mammalian species, which suggests that this missense change does not adversely affect protein function. In summary, the available evidence is currently insufficient to determine the role of this variant in disease. Therefore, it has been classified as a Variant of Uncertain Significance.

Revvity Omics, Revvity
Classification: Uncertain significance. Last evaluated: 2023-01-24. Review status: criteria provided, single submitter. Criteria: ACMG Guidelines, 2015. Collection method: clinical testing. Allele origin: germline.

Illumina Laboratory Services, Illumina
Classification: Uncertain significance for Autosomal recessive ataxia, Beauce type. Last evaluated: 2018-03-23. Review status: criteria provided, single submitter. Criteria: ICSL Variant Classification Criteria 13 December 2019. Collection method: clinical testing. Allele origin: germline.

Illumina Laboratory Services, Illumina
Classification: Uncertain significance for Emery-Dreifuss muscular dystrophy 4, autosomal dominant. Last evaluated: 2018-03-23. Review status: criteria provided, single submitter. Criteria: ICSL Variant Classification Criteria 13 December 2019. Collection method: clinical testing. Allele origin: germline.